The following is an entry in ClinVar:

NM_001868.4(CPA1):c.368A>G (p.His123Arg)

Gene: CPA1 (carboxypeptidase A1; plus strand). Cytogenetic location: 7q32.2.
Variant type: single nucleotide variant.
Coding change: c.368A>G on transcript NM_001868.4 (MANE Select); coding-DNA position 368, A replaced by G.
Protein change: p.His123Arg; replaces histidine 123 with arginine.
Molecular consequence: missense variant.
Genome position (GRCh38, 1-based): chr7:130,381,850, A>G. VCF-style: chr7-130381850-A-G. GRCh37 (hg19) VCF-style: chr7-130021691-A-G.
Other names: short protein forms H123R.
Identifiers: ClinVar variation 2496929 (VCV002496929.6), dbSNP rs1554411248, ClinGen allele CA369280525.

ClinVar aggregate classification (germline): Uncertain significance. Review status: criteria provided, multiple submitters, no conflicts (2 of 4 stars). 2 submissions from 2 submitters: Uncertain significance (2). Last evaluated 2024-11-28.

Conditions:
Hereditary pancreatitis (PCTT). Also called: Hereditary chronic pancreatitis; PRSS1-Related Hereditary Pancreatitis. Identifiers: Orphanet 676, MedGen C0238339, MONDO:0008185, OMIM 167800.

Allele frequency attached by ClinVar (database versions not stated): gnomAD 0.00001.
gnomAD v4.1: 2 of 1,613,246 alleles (0.00012%); highest among the groups gnomAD compares: South Asian, 0.0011%; no homozygotes.

Submissions (2):

Ambry Genetics
Classification: Uncertain significance for Hereditary pancreatitis. Last evaluated: 2024-11-28. Review status: criteria provided, single submitter. Criteria: Ambry Variant Classification Scheme 2023. Collection method: clinical testing. Allele origin: germline.
Comment: The p.H123R variant (also known as c.368A>G), located in coding exon 3 of the CPA1 gene, results from an A to G substitution at nucleotide position 368. The histidine at codon 123 is replaced by arginine, an amino acid with highly similar properties. This amino acid position is conserved. In addition, the in silico prediction for this alteration is inconclusive. Since supporting evidence is limited at this time, the clinical significance of this alteration remains unclear.

Labcorp Genetics (formerly Invitae), Labcorp
Classification: Uncertain significance. Last evaluated: 2023-10-30. Review status: criteria provided, single submitter. Criteria: Invitae Variant Classification Sherloc (09022015). Collection method: clinical testing. Allele origin: germline.
Comment: This sequence change replaces histidine, which is basic and polar, with arginine, which is basic and polar, at codon 123 of the CPA1 protein (p.His123Arg). This variant is present in population databases (no rsID available, gnomAD 0.003%). This variant has not been reported in the literature in individuals affected with CPA1-related conditions. ClinVar contains an entry for this variant (Variation ID: 2496929). Advanced modeling of protein sequence and biophysical properties (such as structural, functional, and spatial information, amino acid conservation, physicochemical variation, residue mobility, and thermodynamic stability) performed at Invitae indicates that this missense variant is not expected to disrupt CPA1 protein function with a negative predictive value of 80%. In summary, the available evidence is currently insufficient to determine the role of this variant in disease. Therefore, it has been classified as a Variant of Uncertain Significance.